The following is an entry in ClinVar:

NM_023036.6(DNAI2):c.1368C>A (p.Phe456Leu)

Gene: DNAI2 (dynein axonemal intermediate chain 2; plus strand). Cytogenetic location: 17q25.1.
Variant type: single nucleotide variant.
Coding change: c.1368C>A on transcript NM_023036.6 (MANE Select); coding-DNA position 1368, C replaced by A.
Protein change: p.Phe456Leu; replaces phenylalanine 456 with leucine.
Molecular consequence: missense variant. On other transcripts: non-coding transcript variant (1), intron variant (1).
Genome position (GRCh38, 1-based): chr17:74,310,037, C>A. VCF-style: chr17-74310037-C-A. GRCh37 (hg19) VCF-style: chr17-72306176-C-A.
Other names: c.1368C>A, p.Phe456Leu (NM_001353167.2); c.1348-16C>A (NM_001172810.3); short protein forms F456L.
Identifiers: ClinVar variation 1770965 (VCV001770965.2), dbSNP rs773370913, ClinGen allele CA400912665.

ClinVar aggregate classification (germline): Uncertain significance (1 of 4 stars; one submission).

Conditions:
Primary ciliary dyskinesia. Also called: Ciliary dyskinesia. Identifiers: Orphanet 244, MedGen C0008780, MONDO:0016575, HP:0012265.

gnomAD v4.1: 4 of 1,613,926 alleles (0.00025%); highest among the groups gnomAD compares: Non-Finnish European, 0.00034%; no homozygotes.

Submission:

Ambry Genetics
Classification: Uncertain significance for Primary ciliary dyskinesia. Last evaluated: 2018-03-26. Review status: criteria provided, single submitter. Criteria: Ambry Variant Classification Scheme 2023. Collection method: clinical testing. Allele origin: germline.
Comment: The p.F456L variant (also known as c.1368C>A), located in coding exon 10 of the DNAI2 gene, results from a C to A substitution at nucleotide position 1368. The phenylalanine at codon 456 is replaced by leucine, an amino acid with highly similar properties. This amino acid position is not well conserved in available vertebrate species. In addition, this alteration is predicted to be tolerated by in silico analysis. Since supporting evidence is limited at this time, the clinical significance of this alteration remains unclear.